The following is an entry in ClinVar:

ClinVar aggregate classification (germline): Uncertain significance (1 of 4 stars; one submission).

Conditions:
Microphthalmia with brain and digit anomalies (MCOPS6). Also called: MICROPHTHALMIA AND PITUITARY ANOMALIES; Microphthalmia, syndromic 6. Identifiers: Orphanet 139471, MedGen C1864689, MONDO:0011936, OMIM 607932.
Orofacial cleft 11 (OFC11). Also called: Orofacial cleft 11; ofc11; CLEFT LIP WITH OR WITHOUT CLEFT PALATE, NONSYNDROMIC, 11. Identifiers: MedGen C2677434, MONDO:0010906, OMIM 600625.

gnomAD v4.1: 5 of 1,613,632 alleles (0.00031%); highest among the groups gnomAD compares: Non-Finnish European, 0.00042%; no homozygotes.

Submission:

Labcorp Genetics (formerly Invitae), Labcorp
Classification: Uncertain significance for Microphthalmia with brain and digit anomalies; Orofacial cleft 11. Last evaluated: 2022-03-23. Review status: criteria provided, single submitter. Criteria: Invitae Variant Classification Sherloc (09022015). Collection method: clinical testing. Allele origin: germline.
Comment: In summary, the available evidence is currently insufficient to determine the role of this variant in disease. Therefore, it has been classified as a Variant of Uncertain Significance. Algorithms developed to predict the effect of missense changes on protein structure and function (SIFT, PolyPhen-2, Align-GVGD) all suggest that this variant is likely to be tolerated. This variant has not been reported in the literature in individuals affected with BMP4-related conditions. This variant is present in population databases (no rsID available, gnomAD 0.006%). This sequence change replaces arginine, which is basic and polar, with cysteine, which is neutral and slightly polar, at codon 287 of the BMP4 protein (p.Arg287Cys).

NM_001202.6(BMP4):c.859C>T (p.Arg287Cys)

Gene: BMP4 (bone morphogenetic protein 4; minus strand). Cytogenetic location: 14q22.2.
Variant type: single nucleotide variant.
Coding change: c.859C>T on transcript NM_001202.6 (MANE Select); coding-DNA position 859, C replaced by T.
Protein change: p.Arg287Cys; replaces arginine 287 with cysteine.
Molecular consequence: missense variant.
Genome position (GRCh38, 1-based): chr14:53,950,400, G>A on the plus strand (C>T on the coding strand, the complement: BMP4 is on the minus strand). VCF-style: chr14-53950400-G-A. GRCh37 (hg19) VCF-style: chr14-54417118-G-A.
Other names: c.1000C>T, p.Arg334Cys (NM_001347912.1); c.670C>T, p.Arg224Cys (NM_001347913.2, NM_001347915.2, NM_001347917.1); c.859C>T, p.Arg287Cys (NM_001347914.2, NM_001347916.1, NM_130850.5 and 1 more transcripts); short protein forms R287C, R224C, R334C.
Identifiers: ClinVar variation 2113889 (VCV002113889.4), dbSNP rs1435675398, ClinGen allele CA389783814.